The following is an entry in ClinVar:

ClinVar aggregate classification (germline): Likely pathogenic. Review status: criteria provided, multiple submitters, no conflicts (2 of 4 stars). 2 submissions from 2 submitters: Likely pathogenic (2). Last evaluated 2022-05-22.

Conditions:
Marfan syndrome (MFS). Also called: Marfan syndrome, classic; MARFAN SYNDROME, TYPE I; Marfan syndrome type 1; Marfan's syndrome; FBN1-Related Marfan Syndrome. Identifiers: Orphanet 284963, Orphanet 558, MedGen C0024796, MONDO:0007947, OMIM 154700.
Familial thoracic aortic aneurysm and aortic dissection (TAAD). Also called: Thoracic aortic aneurysms and dissections. Identifiers: Orphanet 91387, MedGen C4707243, MONDO:0019625.

Submissions (2):

3billion
Classification: Likely pathogenic for Marfan syndrome. Last evaluated: 2022-05-22. Review status: criteria provided, single submitter. Criteria: ACMG Guidelines, 2015. Collection method: clinical testing. Allele origin: germline. Affected: yes. Observed: 1 heterozygote.
Comment: The variant is not observed in the gnomAD v2.1.1 dataset. Canonical splice site: predicted to alter splicing and result in a loss or disruption of normal protein function through nonsense-mediated decay (NMD) or protein truncation. Multiple pathogenic variants are reported downstream of the variant. Therefore, this variant is classified as likely pathogenic according to the recommendation of ACMG/AMP guideline.

Labcorp Genetics (formerly Invitae), Labcorp
Classification: Likely pathogenic for Marfan syndrome; Familial thoracic aortic aneurysm and aortic dissection. Last evaluated: 2022-04-26. Review status: criteria provided, single submitter. Criteria: Invitae Variant Classification Sherloc (09022015). Collection method: clinical testing. Allele origin: germline.
Comment: This sequence change affects a donor splice site in intron 14 of the FBN1 gene. It is expected to disrupt RNA splicing. Variants that disrupt the donor or acceptor splice site typically lead to a loss of protein function (PMID: 16199547), and loss-of-function variants in FBN1 are known to be pathogenic (PMID: 17657824, 19293843). This variant is not present in population databases (gnomAD no frequency). Disruption of this splice site has been observed in individual(s) with clinical features of Marfan syndrome (PMID: 17657824). Algorithms developed to predict the effect of sequence changes on RNA splicing suggest that this variant may disrupt the consensus splice site. In summary, the currently available evidence indicates that the variant is pathogenic, but additional data are needed to prove that conclusively. Therefore, this variant has been classified as Likely Pathogenic.

Literature cited by the submitters: PubMed 16199547 (cited by Labcorp Genetics (formerly Invitae), Labcorp); PubMed 17657824 (cited by Labcorp Genetics (formerly Invitae), Labcorp); PubMed 19293843 (cited by Labcorp Genetics (formerly Invitae), Labcorp).

NM_000138.5(FBN1):c.1714+2T>C

Gene: FBN1 (fibrillin 1; minus strand). Cytogenetic location: 15q21.1.
Variant type: single nucleotide variant.
Coding change: c.1714+2T>C on transcript NM_000138.5 (MANE Select); the canonical splice donor site of the intron after coding-DNA position 1714, T replaced by C.
Molecular consequence: splice donor variant.
Genome position (GRCh38, 1-based): chr15:48,510,042, A>G on the plus strand (T>C on the coding strand, the complement: FBN1 is on the minus strand). VCF-style: chr15-48510042-A-G. GRCh37 (hg19) VCF-style: chr15-48802239-A-G.
Other names: c.1714+2T>C (NM_001406716.1).
Identifiers: ClinVar variation 1687255 (VCV001687255.6), dbSNP rs2141323212, ClinGen allele CA392340875.